The following is an entry in ClinVar:

NM_001099403.2(PRDM8):c.868GGC[2] (p.Gly292_Gly294del)

Gene: PRDM8 (PR/SET domain 8; plus strand). Cytogenetic location: 4q21.21.
Variant type: Microsatellite.
Coding change: c.868GGC[2] on transcript NM_001099403.2 (MANE Select); two copies in a row of the 3-base unit GGC starting at c.868; the reference has five copies in a row; three copies, 9 bases deleted.
Protein change: p.Gly292_Gly294del.
Molecular consequence: inframe deletion.
Genome position (GRCh38, 1-based): chr4:80,202,336-80,202,344, GGCGGCGGC deleted; deleting any 9 consecutive bases within chr4:80,202,328-80,202,344 gives the same sequence; the position shown is the placement nearest the transcript's 3' end. VCF-style (leftmost placement, unchanged base first): chr4-80202327-AGCGGCGGCG-A. GRCh37 (hg19) VCF-style: chr4-81123481-AGCGGCGGCG-A.
Other names: c.874_882del (NM_020226.3); c.868GGC[2], p.Gly292_Gly294del (NM_020226.4).
Identifiers: ClinVar variation 836180 (VCV000836180.9), dbSNP rs752636419, ClinGen allele CA2982346.
Genomic context (GRCh38, chr4:80,202,327, plus strand): 5'-GAAAACTCCCGGGGAGGCAGCAGCTGCTCCCCAGCCCAGAGCCTCAGCAGCGGTAGCGGC[AGCGGCGGCG>A]GCGGCGGCCACCAGGAGGCGGAGCTGAGTCCCGACGGCATCGCCACGGGCGGCGGCAAAG-3'

ClinVar aggregate classification (germline): Uncertain significance (1 of 4 stars; one submission).

Conditions:
Early-onset Lafora body disease. Also called: Epilepsy, progressive myoclonic, 10. Identifiers: Orphanet 324290, MedGen C4225258, MONDO:0014717, OMIM 616640.

Submission:

Labcorp Genetics (formerly Invitae), Labcorp
Classification: Uncertain significance for Early-onset Lafora body disease. Last evaluated: 2024-02-05. Review status: criteria provided, single submitter. Criteria: Invitae Variant Classification Sherloc (09022015). Collection method: clinical testing. Allele origin: germline.
Comment: This variant, c.874_882del, results in the deletion of 3 amino acid(s) of the PRDM8 protein (p.Gly292_Gly294del), but otherwise preserves the integrity of the reading frame. This variant is present in population databases (rs760685415, gnomAD 0.008%). This variant has not been reported in the literature in individuals affected with PRDM8-related conditions. ClinVar contains an entry for this variant (Variation ID: 836180). Experimental studies and prediction algorithms are not available or were not evaluated, and the functional significance of this variant is currently unknown. In summary, the available evidence is currently insufficient to determine the role of this variant in disease. Therefore, it has been classified as a Variant of Uncertain Significance.